The following is an entry in ClinVar:

ClinVar aggregate classification (germline): Benign. Review status: criteria provided, multiple submitters, no conflicts (2 of 4 stars). 11 submissions from 11 submitters: Benign (8). 3 of the submissions do not count toward it. Last evaluated 2026-02-04.

Conditions:
Collagen 6-related myopathy. Identifiers: MedGen CN117976, MONDO:0100225.
Bethlem myopathy 1A. Also called: Bethlem myopathy 1; Bethlem Muscular Dystrophy; MYOPATHY, BENIGN CONGENITAL, WITH CONTRACTURES. Identifiers: Orphanet 610, MedGen CN029274, MONDO:0024530, OMIM 158810.

Allele frequency attached by ClinVar (database versions not stated): gnomAD exomes 0.01124 and 0.01701; ExAC 0.01148; 1000 Genomes Project 30x 0.00921; gnomAD 0.01182 and 0.01203; 1000 Genomes Project 0.00899; ESP Exome Variant Server 0.01315; TOPMed 0.01229.
gnomAD v4.1: 26,454 of 1,612,866 alleles (1.6%); highest among the groups gnomAD compares: Non-Finnish European, 2%; 269 homozygotes.

Submissions (11):

Labcorp Genetics (formerly Invitae), Labcorp
Classification: Benign for Bethlem myopathy 1A. Last evaluated: 2026-02-04. Review status: criteria provided, single submitter. Criteria: Invitae Variant Classification Sherloc (09022015). Collection method: clinical testing. Allele origin: germline.

Mayo Clinic Laboratories, Mayo Clinic
Classification: Benign. Last evaluated: 2022-10-19. Review status: criteria provided, single submitter. Criteria: ACMG Guidelines, 2015. Collection method: clinical testing. Allele origin: germline. Observed: 23 variant alleles.

Athena Diagnostics
Classification: Benign. Last evaluated: 2018-11-26. Review status: criteria provided, single submitter. Criteria: Athena Diagnostics Criteria. Collection method: clinical testing. Allele origin: germline.

Illumina Laboratory Services, Illumina
Classification: Benign for Collagen VI-related myopathy. Last evaluated: 2018-01-12. Review status: criteria provided, single submitter. Criteria: ICSL Variant Classification Criteria 13 December 2019. Collection method: clinical testing. Allele origin: germline.
Comment: This variant was observed in the ICSL laboratory as part of a predisposition screen in an ostensibly healthy population. It had not been previously curated by ICSL or reported in the Human Gene Mutation Database (HGMD: prior to June 1st, 2018), and was therefore a candidate for classification through an automated scoring system. Utilizing variant allele frequency, disease prevalence and penetrance estimates, and inheritance mode, an automated score was calculated to assess if this variant is too frequent to cause the disease. Based on the score and internal cut-off values, a variant classified as benign is not then subjected to further curation. The score for this variant resulted in a classification of benign for this disease.

GeneDx
Classification: Benign. Last evaluated: 2016-05-03. Review status: criteria provided, single submitter. Criteria: GeneDx Variant Classification (06012015). Collection method: clinical testing. Allele origin: germline. Affected: yes.
Comment: This variant is considered likely benign or benign based on one or more of the following criteria: it is a conservative change, it occurs at a poorly conserved position in the protein, it is predicted to be benign by multiple in silico algorithms, and/or has population frequency not consistent with disease.

Eurofins Ntd Llc (ga)
Classification: Benign. Last evaluated: 2012-11-05. Review status: criteria provided, single submitter. Criteria: EGL Classification Definitions 2015. Collection method: clinical testing. Allele origin: germline. Observed: 3 variant alleles, 3 heterozygotes.

Breakthrough Genomics
Classification: Benign. Review status: criteria provided, single submitter. Criteria: ACMG Guidelines, 2015. Collection method: not provided. Allele origin: germline. Inheritance: Autosomal recessive inheritance. Affected: yes.

PreventionGenetics, part of Exact Sciences
Classification: Benign. Review status: criteria provided, single submitter. Criteria: ACMG Guidelines, 2015. Collection method: clinical testing. Allele origin: germline.

Genetic Services Laboratory, University of Chicago
Classification: Likely benign for AllHighlyPenetrant. Review status: no assertion criteria provided. Collection method: clinical testing. Allele origin: germline. Not counted in ClinVar's aggregate classification.
Comment: Likely benign based on allele frequency in 1000 Genomes Project or ESP global frequency and its presence in a patient with a rare or unrelated disease phenotype. NOT Sanger confirmed.

Joint Genome Diagnostic Labs from Nijmegen and Maastricht, Radboudumc and MUMC+
Classification: Benign. Review status: no assertion criteria provided. Collection method: clinical testing. Allele origin: germline. Affected: yes. Study: VKGL Data-share Consensus. Not counted in ClinVar's aggregate classification.

Laboratory of Diagnostic Genome Analysis, Leiden University Medical Center (LUMC)
Classification: Likely benign. Review status: no assertion criteria provided. Collection method: clinical testing. Allele origin: germline. Affected: yes. Study: VKGL Data-share Consensus. Not counted in ClinVar's aggregate classification.

Literature cited by the submitters: PubMed 17886299 (cited by Athena Diagnostics).

NM_004369.4(COL6A3):c.1389C>T (p.Ala463=)

Gene: COL6A3 (collagen type VI alpha 3 chain; minus strand). Cytogenetic location: 2q37.3.
Variant type: single nucleotide variant.
Coding change: c.1389C>T on transcript NM_004369.4 (MANE Select); coding-DNA position 1389, C replaced by T.
Protein change: p.Ala463=; no amino-acid change (alanine 463 retained).
Molecular consequence: synonymous variant.
Genome position (GRCh38, 1-based): chr2:237,381,423, G>A on the plus strand (C>T on the coding strand, the complement: COL6A3 is on the minus strand). VCF-style: chr2-237381423-G-A. GRCh37 (hg19) VCF-style: chr2-238290066-G-A.
Other names: p.Ala463=; c.168C>T, p.Ala56= (NM_057164.5, NM_057166.5); c.771C>T, p.Ala257= (NM_057165.5, NM_057167.4).
Identifiers: ClinVar variation 94906 (VCV000094906.29), dbSNP rs112896869, ClinGen allele CA147910.